The following is an entry in ClinVar:

ClinVar aggregate classification (germline): Likely benign. Review status: criteria provided, multiple submitters, no conflicts (2 of 4 stars). 2 submissions from 2 submitters: Likely benign (2). Last evaluated 2023-07-31.

Conditions:
Charcot-Marie-Tooth disease type 2E (CMT2E). Also called: CHARCOT-MARIE-TOOTH NEUROPATHY, TYPE 2E; CHARCOT-MARIE-TOOTH DISEASE, AXONAL, TYPE 2E. Identifiers: Orphanet 99939, MedGen C1843225, MONDO:0011894, OMIM 607684.

Allele frequency attached by ClinVar (database versions not stated): gnomAD exomes below 0.00001.
gnomAD v4.1: 1 of 1,573,334 alleles (0.000064%); highest among the groups gnomAD compares: Non-Finnish European, 0.000086%; no homozygotes.

Submissions (2):

Labcorp Genetics (formerly Invitae), Labcorp
Classification: Likely benign for Charcot-Marie-Tooth disease type 2E. Last evaluated: 2023-07-31. Review status: criteria provided, single submitter. Criteria: Invitae Variant Classification Sherloc (09022015). Collection method: clinical testing. Allele origin: germline.

GeneDx
Classification: Likely benign. Last evaluated: 2017-12-01. Review status: criteria provided, single submitter. Criteria: GeneDx Variant Classification (06012015). Collection method: clinical testing. Allele origin: germline. Affected: yes.
Comment: This variant is considered likely benign or benign based on one or more of the following criteria: it is a conservative change, it occurs at a poorly conserved position in the protein, it is predicted to be benign by multiple in silico algorithms, and/or has population frequency not consistent with disease.

NM_006158.5(NEFL):c.1482G>A (p.Glu494=)

Gene: NEFL (neurofilament light chain; minus strand). Cytogenetic location: 8p21.2.
Variant type: single nucleotide variant.
Coding change: c.1482G>A on transcript NM_006158.5 (MANE Select); coding-DNA position 1482, G replaced by A.
Protein change: p.Glu494=; no amino-acid change (glutamic acid 494 retained).
Molecular consequence: synonymous variant.
Genome position (GRCh38, 1-based): chr8:24,953,483, C>T on the plus strand (G>A on the coding strand, the complement: NEFL is on the minus strand). VCF-style: chr8-24953483-C-T. GRCh37 (hg19) VCF-style: chr8-24810996-C-T.
Identifiers: ClinVar variation 513826 (VCV000513826.4), dbSNP rs1554497313, ClinGen allele CA460182638.